The following is an entry in ClinVar:

ClinVar aggregate classification (germline): Uncertain significance. Review status: criteria provided, multiple submitters, no conflicts (2 of 4 stars). 2 submissions from 2 submitters: Uncertain significance (2). Last evaluated 2021-10-05.

Conditions:
Episodic ataxia type 2 (EA2). Also called: ATAXIA, EPISODIC, WITH NYSTAGMUS; ATAXIA, FAMILIAL PAROXYSMAL; CEREBELLAR ATAXIA, PAROXYSMAL, ACETAZOLAMIDE-RESPONSIVE; CEREBELLOPATHY, HEREDITARY PAROXYSMAL; EPISODIC ATAXIA, NYSTAGMUS-ASSOCIATED; ACETAZOLAMIDE-RESPONSIVE HEREDITARY PAROXYSMAL CEREBELLAR ATAXIA. Identifiers: Orphanet 97, MedGen C1720416, MONDO:0007163, OMIM 108500.
Developmental and epileptic encephalopathy, 42 (DEE42A). Also called: DEVELOPMENTAL AND EPILEPTIC ENCEPHALOPATHY 42A; EPILEPTIC ENCEPHALOPATHY, EARLY INFANTILE, 42A; Epileptic encephalopathy, early infantile, 42. Identifiers: MedGen C4310716, MONDO:0014917, OMIM 617106.

gnomAD v4.1: 1 of 1,536,622 alleles (0.000065%); highest among the groups gnomAD compares: Non-Finnish European, 0.000087%; no homozygotes.

Submissions (2):

Labcorp Genetics (formerly Invitae), Labcorp
Classification: Uncertain significance for Developmental and epileptic encephalopathy, 42; Episodic ataxia type 2. Last evaluated: 2021-10-05. Review status: criteria provided, single submitter. Criteria: Invitae Variant Classification Sherloc (09022015). Collection method: clinical testing. Allele origin: germline.
Comment: This sequence change replaces histidine with glutamine at codon 2212 of the CACNA1A protein (p.His2212Gln). The histidine residue is weakly conserved and there is a small physicochemical difference between histidine and glutamine. The frequency data for this variant in the population databases is considered unreliable, as metrics indicate insufficient coverage at this position in the ExAC database. This variant has not been reported in the literature in individuals affected with CACNA1A-related conditions. Advanced modeling of protein sequence and biophysical properties (such as structural, functional, and spatial information, amino acid conservation, physicochemical variation, residue mobility, and thermodynamic stability) performed at Invitae indicates that this missense variant is not expected to disrupt CACNA1A protein function. In summary, the available evidence is currently insufficient to determine the role of this variant in disease. Therefore, it has been classified as a Variant of Uncertain Significance.

MGZ Medical Genetics Center
Classification: Uncertain significance for Episodic ataxia type 2. Last evaluated: 2021-09-07. Review status: criteria provided, single submitter. Criteria: ACMG Guidelines, 2015. Collection method: clinical testing. Allele origin: germline. Affected: yes. Observed: 1 variant allele.
Comment: ACMG criteria applied: PM2_SUP

NM_001127222.2(CACNA1A):c.6633C>G (p.His2211Gln)

Gene: CACNA1A (calcium voltage-gated channel subunit alpha1 A; minus strand). Cytogenetic location: 19p13.13.
Variant type: single nucleotide variant.
Coding change: c.6633C>G on transcript NM_001127222.2 (MANE Select); coding-DNA position 6633, C replaced by G.
Protein change: p.His2211Gln; replaces histidine 2211 with glutamine.
Molecular consequence: missense variant.
Genome position (GRCh38, 1-based): chr19:13,208,903, G>C on the plus strand (C>G on the coding strand, the complement: CACNA1A is on the minus strand). VCF-style: chr19-13208903-G-C. GRCh37 (hg19) VCF-style: chr19-13319717-G-C.
Other names: c.6651C>G, p.His2217Gln (NM_000068.4, NM_023035.3); c.6636C>G, p.His2212Gln (NM_001127221.2); c.6642C>G, p.His2214Gln (NM_001174080.2); short protein forms H2214Q, H2211Q, H2212Q, H2217Q.
Identifiers: ClinVar variation 1369146 (VCV001369146.8), dbSNP rs775606907, ClinGen allele CA404330483.